The following is an entry in ClinVar:

ClinVar aggregate classification (germline): Uncertain significance (1 of 4 stars; one submission).

Conditions:
Kleefstra syndrome 1 (KLEFS1). Identifiers: Orphanet 261494, MedGen C0795833, MONDO:0027407, OMIM 610253.

gnomAD v4.1: 4 of 1,613,760 alleles (0.00025%); highest among the groups gnomAD compares: Non-Finnish European, 0.00034%; no homozygotes.

Submission:

Labcorp Genetics (formerly Invitae), Labcorp
Classification: Uncertain significance for Kleefstra syndrome 1. Last evaluated: 2024-05-08. Review status: criteria provided, single submitter. Criteria: Invitae Variant Classification Sherloc (09022015). Collection method: clinical testing. Allele origin: germline.
Comment: This sequence change replaces aspartic acid, which is acidic and polar, with glutamic acid, which is acidic and polar, at codon 349 of the EHMT1 protein (p.Asp349Glu). This variant is not present in population databases (gnomAD no frequency). This variant has not been reported in the literature in individuals affected with EHMT1-related conditions. Algorithms developed to predict the effect of missense changes on protein structure and function output the following: SIFT: "Not Available"; PolyPhen-2: "Benign"; Align-GVGD: "Not Available". The glutamic acid amino acid residue is found in multiple mammalian species, which suggests that this missense change does not adversely affect protein function. In summary, the available evidence is currently insufficient to determine the role of this variant in disease. Therefore, it has been classified as a Variant of Uncertain Significance.

NM_024757.5(EHMT1):c.1047T>G (p.Asp349Glu)

Gene: EHMT1 (euchromatic histone lysine methyltransferase 1; plus strand). Cytogenetic location: 9q34.3.
Variant type: single nucleotide variant.
Coding change: c.1047T>G on transcript NM_024757.5 (MANE Select); coding-DNA position 1047, T replaced by G.
Protein change: p.Asp349Glu; replaces aspartic acid 349 with glutamic acid.
Molecular consequence: missense variant.
Genome position (GRCh38, 1-based): chr9:137,743,967, T>G. VCF-style: chr9-137743967-T-G. GRCh37 (hg19) VCF-style: chr9-140638419-T-G.
Other names: c.1047T>G, p.Asp349Glu (NM_001145527.2, NM_001354611.2); c.954T>G, p.Asp318Glu (NM_001354259.2, NM_001354612.2); c.1026T>G, p.Asp342Glu (NM_001354263.2); short protein forms D349E, D318E, D342E.
Identifiers: ClinVar variation 3716401 (VCV003716401.2).
Genomic context (GRCh38, chr9:137,743,967, plus strand): 5'-GAAGGACCTGGGCGCCAGCAGCCTGCACGTGAATGGGGAGAGCCTGGAGATGGACTCGGA[T>G]GAGGACGACTCAGAGGAGCTCGAGGAGGACGACGGCCATGGTGCAGAGCAGGCGGCCGCG-3'
Protein context (NP_079033.4, residues 339-359): VNGESLEMDS[Asp349Glu]EDDSEELEED